The following is an entry in ClinVar:

ClinVar aggregate classification (germline): Uncertain significance. Review status: criteria provided, multiple submitters, no conflicts (2 of 4 stars). 2 submissions from 2 submitters: Uncertain significance (2). Last evaluated 2025-07-07.

Conditions:
Anauxetic dysplasia. Identifiers: Orphanet 93347, MedGen C1846796, MONDO:0011773.

gnomAD v4.1: 6 of 698,918 alleles (0.00086%); highest among the groups gnomAD compares: South Asian, 0.003%; no homozygotes.

Submissions (2):

Women's Health and Genetics/Laboratory Corporation of America, LabCorp
Classification: Uncertain significance. Last evaluated: 2025-07-07. Review status: criteria provided, single submitter. Criteria: LabCorp Variant Classification Summary - May 2015. Collection method: clinical testing. Allele origin: germline.
Comment: Variant summary: RMRP n.116T>C (also known as NC_000009.11: chr9:g.35657900A>G) alters a nucleotide in the non-coding RNA. The variant allele was found at a frequency of 1.5e-05 in 130500 control chromosomes. The available data on variant occurrences in the general population are insufficient to allow any conclusion about variant significance. To our knowledge, no occurrence of n.116T>C in individuals affected with Cartilage-Hair Hypoplasia and no experimental evidence demonstrating its impact on protein function have been reported. ClinVar contains an entry for this variant (Variation ID: 2079793). Based on the evidence outlined above, the variant was classified as uncertain significance.

Labcorp Genetics (formerly Invitae), Labcorp
Classification: Uncertain significance for Anauxetic dysplasia. Last evaluated: 2025-06-16. Review status: criteria provided, single submitter. Criteria: Invitae Variant Classification Sherloc (09022015). Collection method: clinical testing. Allele origin: germline.
Comment: This variant occurs in the RMRP gene, which encodes an RNA molecule that does not result in a protein product. This variant is present in population databases (no rsID available, gnomAD 0.009%). This variant has not been reported in the literature in individuals affected with RMRP-related conditions. ClinVar contains an entry for this variant (Variation ID: 2079793). Experimental studies and prediction algorithms are not available or were not evaluated, and the functional significance of this variant is currently unknown. In summary, the available evidence is currently insufficient to determine the role of this variant in disease. Therefore, it has been classified as a Variant of Uncertain Significance.

NR_003051.4(RMRP):n.117T>C

Gene: RMRP (RNA component of mitochondrial RNA processing endoribonuclease; minus strand). Cytogenetic location: 9p13.3.
Variant type: single nucleotide variant.
Genome position: GRCh38 VCF-style: chr9-35657903-A-G. GRCh37 (hg19) VCF-style: chr9-35657900-A-G.
Identifiers: ClinVar variation 2079793 (VCV002079793.4), dbSNP rs1437035543, ClinGen allele CA464450769.